The following is an entry in ClinVar:

ClinVar aggregate classification (germline): Uncertain significance (1 of 4 stars; one submission).

Conditions:
ZFHX2-related disorder. Also called: ZFHX2-related condition.

Submission:

PreventionGenetics, part of Exact Sciences
Classification: Uncertain significance for ZFHX2-related condition. Last evaluated: 2023-06-05. Review status: criteria provided, single submitter. Criteria: ACMG Guidelines, 2015. Collection method: clinical testing. Allele origin: germline.
Comment: The ZFHX2 c.312delG variant is predicted to result in a frameshift and premature protein termination (p.Gly104Glyfs*7). To our knowledge, this variant has not been reported in the literature or in a large population database, indicating this variant is rare. Loss of function has not been a documented mechanism of ZFHX2-related disease (Human Gene Mutation Database). At this time, the clinical significance of this variant is uncertain due to the absence of conclusive functional and genetic evidence.

NM_033400.3(ZFHX2):c.312del (p.Leu105fs)

Genes: THTPA (thiamine triphosphatase; plus strand), ZFHX2 (zinc finger homeobox 2; minus strand). Cytogenetic location: 14q11.2.
Variant type: Deletion.
Coding change: c.312del on transcript NM_033400.3 (MANE Select); coding-DNA position 312, one base deleted (G; older notation c.312delG).
Protein change: p.Leu105fs; shifts the reading frame from leucine 105.
Molecular consequence: frameshift variant.
Genome position (GRCh38, 1-based): chr14:23,535,014, C deleted on the plus strand (G on the coding strand, the reverse complement: ZFHX2 is on the minus strand); the first of 3 consecutive C bases (chr14:23,535,014-23,535,016); deleting any one gives the same sequence. VCF-style (leftmost placement, unchanged base first): chr14-23535013-GC-G. GRCh37 (hg19) VCF-style: chr14-24004222-GC-G.
Other names: short protein forms L105fs.
Identifiers: ClinVar variation 2636377 (VCV002636377.1), dbSNP rs2138797099, ClinGen allele CA2624261980.